The following is an entry in ClinVar:

NM_000094.4(COL7A1):c.4987C>A (p.Pro1663Thr)

Gene: COL7A1 (collagen type VII alpha 1 chain; minus strand). Cytogenetic location: 3p21.31.
Variant type: single nucleotide variant.
Coding change: c.4987C>A on transcript NM_000094.4 (MANE Select); coding-DNA position 4987, C replaced by A.
Protein change: p.Pro1663Thr; replaces proline 1663 with threonine.
Molecular consequence: missense variant.
Genome position (GRCh38, 1-based): chr3:48,580,646, G>T on the plus strand (C>A on the coding strand, the complement: COL7A1 is on the minus strand). VCF-style: chr3-48580646-G-T. GRCh37 (hg19) VCF-style: chr3-48618079-G-T.
Other names: c.4987C>A (NM_000094.3); short protein forms P1663T.
Identifiers: ClinVar variation 991830 (VCV000991830.9), dbSNP rs149342284, ClinGen allele CA2379720.

ClinVar aggregate classification (germline): Uncertain significance. Review status: criteria provided, multiple submitters, no conflicts (2 of 4 stars). 7 submissions from 7 submitters: Uncertain significance (5). 2 of the submissions do not count toward it. Last evaluated 2024-12-16.

Conditions:
Recessive dystrophic epidermolysis bullosa (RDEB). Also called: epidermolysis bullosa dystrophica, autosomal recessive; DYSTROPHIC EPIDERMOLYSIS BULLOSA, AUTOSOMAL RECESSIVE; EPIDERMOLYSIS BULLOSA DYSTROPHICA, HALLOPEAU-SIEMENS TYPE; severe generalized recessive dystrophic epidermolysis bullosa; EPIDERMOLYSIS BULLOSA DYSTROPHICA, GENERALIZED SEVERE, AUTOSOMAL RECESSIVE; Hallopeau-Siemens Disease. Identifiers: Orphanet 79408, Orphanet 79409, MedGen C0079474, MONDO:0009179, OMIM 226600.
Epidermolysis bullosa dystrophica inversa, autosomal recessive. Identifiers: MedGen C2673612.
Transient bullous dermolysis of the newborn (TBDN). Also called: EPIDERMOLYSIS BULLOSA DYSTROPHICA, NEONATAL FORM; DYSTROPHIC EPIDERMOLYSIS BULLOSA, NEONATAL. Identifiers: Orphanet 79411, MedGen C1851573, MONDO:0007548, OMIM 131705.
Epidermolysis bullosa pruriginosa. Also called: DEB, PRURIGINOSA; DYSTROPHIC EPIDERMOLYSIS BULLOSA PRURIGINOSA. Identifiers: Orphanet 89843, MedGen C1275114, MONDO:0011398, OMIM 604129.
Pretibial dystrophic epidermolysis bullosa. Also called: EPIDERMOLYSIS BULLOSA DYSTROPHICA, PRETIBIAL; Pretibial blistering; Pretibial epidermolysis bullosa. Identifiers: Orphanet 79410, MedGen C0432321, MONDO:0007552, OMIM 131850, HP:0012221.
Dominant dystrophic epidermolysis bullosa with absence of skin. Also called: EPIDERMOLYSIS BULLOSA WITH CONGENITAL LOCALIZED ABSENCE OF SKIN AND DEFORMITY OF NAILS; EPIDERMOLYSIS BULLOSA DYSTROPHICA, BART TYPE. Identifiers: MedGen C0268371, MONDO:0007557, OMIM 132000.
Generalized dominant dystrophic epidermolysis bullosa (DDEB). Also called: DDEB, generalized; DDEB-gen; DYSTROPHIC EPIDERMOLYSIS BULLOSA, AUTOSOMAL DOMINANT; Epidermolysis bullosa dystrophica, autosomal dominant; Dominant DEB (DDEB). Identifiers: Orphanet 231568, MedGen C0432322, MONDO:0007549, OMIM 131750.
Nonsyndromic congenital nail disorder 8. Also called: TOENAIL DYSTROPHY, ISOLATED. Identifiers: MedGen C1843761, MONDO:0011852, OMIM 607523.
COL7A1-related disorder. Also called: COL7A1- related disorders; COL7A1-related condition.

Allele frequency attached by ClinVar (database versions not stated): TOPMed 0.00012; gnomAD exomes 0.00019; ExAC 0.00029; ESP Exome Variant Server 0.00038.
gnomAD v4.1: 379 of 1,613,642 alleles (0.023%); highest among the groups gnomAD compares: South Asian, 0.032%; 1 homozygote.

Submissions (7):

Labcorp Genetics (formerly Invitae), Labcorp
Classification: Uncertain significance. Last evaluated: 2024-12-16. Review status: criteria provided, single submitter. Criteria: Invitae Variant Classification Sherloc (09022015). Collection method: clinical testing. Allele origin: germline.
Comment: This sequence change replaces proline, which is neutral and non-polar, with threonine, which is neutral and polar, at codon 1663 of the COL7A1 protein (p.Pro1663Thr). This variant is present in population databases (rs149342284, gnomAD 0.04%). This variant has not been reported in the literature in individuals affected with COL7A1-related conditions. ClinVar contains an entry for this variant (Variation ID: 991830). Invitae Evidence Modeling of protein sequence and biophysical properties (such as structural, functional, and spatial information, amino acid conservation, physicochemical variation, residue mobility, and thermodynamic stability) has been performed for this missense variant. However, the output from this modeling did not meet the statistical confidence thresholds required to predict the impact of this variant on COL7A1 protein function. In summary, the available evidence is currently insufficient to determine the role of this variant in disease. Therefore, it has been classified as a Variant of Uncertain Significance.

Women's Health and Genetics/Laboratory Corporation of America, LabCorp
Classification: Uncertain significance. Last evaluated: 2024-01-11. Review status: criteria provided, single submitter. Criteria: LabCorp Variant Classification Summary - May 2015. Collection method: clinical testing. Allele origin: germline.

Department of Pathology and Laboratory Medicine, Sinai Health System
Classification: Uncertain significance for recessive dystrophic epidermolysis bullosa. Last evaluated: 2022-02-18. Review status: criteria provided, single submitter. Criteria: ACMG Guidelines, 2015. Collection method: research. Allele origin: germline.

Fulgent Genetics
Classification: Uncertain significance for Transient bullous dermolysis of the newborn; Generalized dominant dystrophic epidermolysis bullosa; Pretibial dystrophic epidermolysis bullosa; Dominant dystrophic epidermolysis bullosa with absence of skin; Recessive dystrophic epidermolysis bullosa; Epidermolysis bullosa pruriginosa; Nonsyndromic congenital nail disorder 8. Last evaluated: 2022-01-06. Review status: criteria provided, single submitter. Criteria: ACMG Guidelines, 2015. Collection method: clinical testing. Allele origin: unknown.

Breakthrough Genomics
Classification: Uncertain significance. Review status: criteria provided, single submitter. Criteria: ACMG Guidelines, 2015. Collection method: not provided. Allele origin: germline. Inheritance: Autosomal recessive inheritance. Affected: yes.

PreventionGenetics, part of Exact Sciences
Classification: Uncertain significance for COL7A1-related condition. Last evaluated: 2024-04-13. Review status: no assertion criteria provided. Collection method: clinical testing. Allele origin: germline. Not counted in ClinVar's aggregate classification.
Comment: The COL7A1 c.4987C>A variant is predicted to result in the amino acid substitution p.Pro1663Thr. To our knowledge, this variant has not been reported in the literature. This variant is reported in 0.033% of alleles in individuals of European (Non-Finnish) descent in gnomAD. At this time, the clinical significance of this variant is uncertain due to the absence of conclusive functional and genetic evidence.

Natera, Inc.
Classification: Uncertain significance for Autosomal recessive epidermolysis bullosa dystrophica inversa. Last evaluated: 2020-07-31. Review status: no assertion criteria provided. Collection method: clinical testing. Allele origin: germline. Not counted in ClinVar's aggregate classification.